The following is an entry in ClinVar:

ClinVar aggregate classification (germline): Conflicting classifications of pathogenicity. Review status: criteria provided, conflicting classifications (1 of 4 stars). 6 submissions from 6 submitters: Uncertain significance (5); Benign (1). Last evaluated 2025-12-23.

Conditions:
COL11A1-related disorder. Also called: COL11A1-related disorders; COL11A1-related condition.
Inborn genetic diseases. Identifiers: MedGen C0950123, MeSH D030342.

Allele frequency attached by ClinVar (database versions not stated): gnomAD exomes below 0.00001; gnomAD 0.00001; TOPMed 0.00001.

Submissions (6):

Labcorp Genetics (formerly Invitae), Labcorp
Classification: Benign. Last evaluated: 2025-12-23. Review status: criteria provided, single submitter. Criteria: Invitae Variant Classification Sherloc (09022015). Collection method: clinical testing. Allele origin: germline.

Dasa
Classification: Uncertain significance. Last evaluated: 2025-05-13. Review status: criteria provided, single submitter. Criteria: DASA Assertion Criteria. Collection method: clinical testing. Allele origin: germline.
Comment: NM_001854.4(COL11A1):c.3077G>A (p.Arg1026His) is a missense variant that results in the substitution of arginine with histidine. This variant is rare in population databases. Computational prediction algorithms are consistent with a deleterious effect. The currently available literature and clinical evidence are not sufficient to establish a definitive association between this variant and the reported condition. Therefore, this variant is classified as a variant of uncertain significance.

PreventionGenetics, part of Exact Sciences
Classification: Uncertain significance for COL11A1-related condition. Last evaluated: 2025-04-15. Review status: criteria provided, single submitter. Criteria: ACMG Guidelines, 2015. Collection method: clinical testing. Allele origin: germline.
Comment: The COL11A1 c.3077G>A variant is predicted to result in the amino acid substitution p.Arg1026His. To our knowledge, this variant has not been reported in the literature. This variant is reported in 0.0062% of alleles in individuals of African descent in gnomAD. At this time, the clinical significance of this variant is uncertain due to the absence of conclusive functional and genetic evidence.

Ambry Genetics
Classification: Uncertain significance for Inborn genetic diseases. Last evaluated: 2023-12-17. Review status: criteria provided, single submitter. Criteria: Ambry Variant Classification Scheme 2023. Collection method: clinical testing. Allele origin: germline.

GeneDx
Classification: Uncertain significance. Last evaluated: 2023-05-23. Review status: criteria provided, single submitter. Criteria: GeneDx Variant Classification Process June 2021. Collection method: clinical testing. Allele origin: germline. Affected: yes.
Comment: Not observed at significant frequency in large population cohorts (gnomAD); In silico analysis supports that this missense variant has a deleterious effect on protein structure/function; Has not been previously published as pathogenic or benign to our knowledge

Blueprint Genetics
Classification: Uncertain significance. Last evaluated: 2022-02-18. Review status: criteria provided, single submitter. Criteria: ACMG Guidelines, 2015. Collection method: clinical testing. Allele origin: germline.

NM_001854.4(COL11A1):c.3077G>A (p.Arg1026His)

Gene: COL11A1 (collagen type XI alpha 1 chain; minus strand). Cytogenetic location: 1p21.1.
Variant type: single nucleotide variant.
Coding change: c.3077G>A on transcript NM_001854.4 (MANE Select); coding-DNA position 3077, G replaced by A.
Protein change: p.Arg1026His; replaces arginine 1026 with histidine.
Molecular consequence: missense variant. On other transcripts: non-coding transcript variant (1).
Genome position (GRCh38, 1-based): chr1:102,962,213, C>T on the plus strand (G>A on the coding strand, the complement: COL11A1 is on the minus strand). VCF-style: chr1-102962213-C-T. GRCh37 (hg19) VCF-style: chr1-103427769-C-T.
Other names: c.2960G>A, p.Arg987His (NM_001190709.2); c.3113G>A, p.Arg1038His (NM_080629.3); c.2729G>A, p.Arg910His (NM_080630.4); c.3077G>A (NM_001854.3); short protein forms R1038H, R987H, R1026H, R910H.
Identifiers: ClinVar variation 1375442 (VCV001375442.11), dbSNP rs944650989, ClinGen allele CA27693618.